The following is an entry in ClinVar:

NM_004448.4(ERBB2):c.1963A>G (p.Ile655Val)

Gene: ERBB2 (erb-b2 receptor tyrosine kinase 2; plus strand). Cytogenetic location: 17q12.
Variant type: single nucleotide variant.
Coding change: c.1963A>G on transcript NM_004448.4 (MANE Select); coding-DNA position 1963, A replaced by G.
Protein change: p.Ile655Val; replaces isoleucine 655 with valine.
Molecular consequence: missense variant. On other transcripts: non-coding transcript variant (1), intron variant (1).
Genome position (GRCh38, 1-based): chr17:39,723,335, A>G. VCF-style: chr17-39723335-A-G. GRCh37 (hg19) VCF-style: chr17-37879588-A-G.
Other names: V655I; c.1873A>G, p.Ile625Val (NM_001005862.3, NM_001382782.1, NM_001382783.1); c.1918A>G, p.Ile640Val (NM_001289936.2); c.1963A>G, p.Ile655Val (NM_001289937.2, NM_001382792.1, NM_001382793.1 and 7 more transcripts); c.2080A>G, p.Ile694Val (NM_001382784.1, NM_001382786.1); c.2065A>G, p.Ile689Val (NM_001382785.1); c.2038A>G, p.Ile680Val (NM_001382787.1); c.1993A>G, p.Ile665Val (NM_001382788.1); and 8 more; short protein forms I655V, I625V, I640V, I379V, I569V, I595V, I639V, I652V.
Identifiers: ClinVar variation 13873 (VCV000013873.12), dbSNP rs1136201, ClinGen allele CA123559.

ClinVar aggregate classification (germline): Benign. Review status: criteria provided, multiple submitters, no conflicts (2 of 4 stars). 5 submissions from 5 submitters: Benign (3). 2 of the submissions do not count toward it. Last evaluated 2026-02-04.

Conditions:
ERBB2 POLYMORPHISM.

Allele frequency attached by ClinVar (database versions not stated): 1000 Genomes Project 30x 0.11977; 1000 Genomes Project 0.12141; TOPMed 0.15571; gnomAD 0.17378 and 0.17488; ExAC 0.19636; gnomAD exomes 0.19636 and 0.22667.

Submissions (5):

Labcorp Genetics (formerly Invitae), Labcorp
Classification: Benign. Last evaluated: 2026-02-04. Review status: criteria provided, single submitter. Criteria: Invitae Variant Classification Sherloc (09022015). Collection method: clinical testing. Allele origin: germline.

Blueprint Genetics
Classification: Benign. Last evaluated: 2024-11-28. Review status: criteria provided, single submitter. Criteria: ACMG Guidelines, 2015. Collection method: clinical testing. Allele origin: germline.

Breakthrough Genomics
Classification: Benign. Review status: criteria provided, single submitter. Criteria: ACMG Guidelines, 2015. Collection method: not provided. Allele origin: germline. Inheritance: Autosomal recessive inheritance. Affected: yes.

ITMI
No classification provided. Condition: AllHighlyPenetrant. Last evaluated: 2013-09-19. Review status: no classification provided. Collection method: reference population. Allele origin: germline. Not counted in ClinVar's aggregate classification.
Comment: Please see associated publication for description of ethnicities

OMIM
Classification: Benign for ERBB2 POLYMORPHISM. Last evaluated: 1993-02-01. Review status: no assertion criteria provided. Collection method: literature only. Allele origin: germline. Not counted in ClinVar's aggregate classification.

Literature cited by the submitters: PubMed 24728327 (cited by ITMI); PubMed 3003577 (cited by OMIM); PubMed 2999974 (cited by OMIM); PubMed 1681519 (cited by OMIM); PubMed 8095488 (cited by OMIM).